The following is an entry in ClinVar:

ClinVar aggregate classification (germline): Conflicting classifications of pathogenicity. Review status: criteria provided, conflicting classifications (1 of 4 stars). 2 submissions from 2 submitters: Uncertain significance (1); Likely benign (1). Last evaluated 2025-04-14.

Conditions:
Focal segmental glomerulosclerosis 7 (FSGS7). Identifiers: Orphanet 656, MedGen C4014925, MONDO:0014451, OMIM 616002.
Renal coloboma syndrome (PAPRS). Also called: PAPILLORENAL SYNDROME WITH MILD OCULAR ABNORMALITIES; PAPILLORENAL SYNDROME; CONGENITAL ANOMALIES OF THE KIDNEY AND URINARY TRACT WITH OR WITHOUT OCULAR ABNORMALITIES; CAKUT WITH OR WITHOUT OCULAR ABNORMALITIES; COLOBOMA OF OPTIC NERVE WITH RENAL DISEASE; OPTIC COLOBOMA, VESICOURETERAL REFLUX, AND RENAL ANOMALIES. Identifiers: Orphanet 1475, MedGen C1852759, MONDO:0007352, OMIM 120330.
Inborn genetic diseases. Identifiers: MedGen C0950123, MeSH D030342.

Allele frequency attached by ClinVar (database versions not stated): gnomAD exomes 0.00002.
gnomAD v4.1: 8 of 1,597,362 alleles (0.0005%); highest among the groups gnomAD compares: East Asian, 0.016%; no homozygotes.

Submissions (2):

Ambry Genetics
Classification: Likely benign for Inborn genetic diseases. Last evaluated: 2025-04-14. Review status: criteria provided, single submitter. Criteria: Ambry Variant Classification Scheme 2023. Collection method: clinical testing. Allele origin: germline.

Labcorp Genetics (formerly Invitae), Labcorp
Classification: Uncertain significance for Renal coloboma syndrome; Focal segmental glomerulosclerosis 7. Last evaluated: 2021-07-26. Review status: criteria provided, single submitter. Criteria: Invitae Variant Classification Sherloc (09022015). Collection method: clinical testing. Allele origin: germline.
Comment: In summary, the available evidence is currently insufficient to determine the role of this variant in disease. Therefore, it has been classified as a Variant of Uncertain Significance. Experimental studies and prediction algorithms are not available or were not evaluated, and the functional significance of this variant is currently unknown. This variant has not been reported in the literature in individuals affected with PAX2-related conditions. This variant is not present in population databases (ExAC no frequency). This sequence change replaces proline with serine at codon 149 of the PAX2 protein (p.Pro149Ser). The proline residue is highly conserved and there is a moderate physicochemical difference between proline and serine.

Literature cited by the submitters: PubMed 28518168 (cited by Ambry Genetics); PubMed 31328266 (cited by Ambry Genetics); PubMed 32461654 (cited by Ambry Genetics); PubMed 34696790 (cited by Ambry Genetics); PubMed 36549658 (cited by Ambry Genetics).

NM_000278.5(PAX2):c.445C>T (p.Pro149Ser)

Gene: PAX2 (paired box 2; plus strand). Cytogenetic location: 10q24.31.
Variant type: single nucleotide variant.
Coding change: c.445C>T on transcript NM_000278.5 (MANE Select); coding-DNA position 445, C replaced by T.
Protein change: p.Pro149Ser; replaces proline 149 with serine.
Molecular consequence: missense variant.
Genome position (GRCh38, 1-based): chr10:100,779,532, C>T. VCF-style: chr10-100779532-C-T. GRCh37 (hg19) VCF-style: chr10-102539289-C-T.
Other names: c.445C>T (NM_003987.3); c.538C>T, p.Pro180Ser (NM_001304569.2); c.445C>T, p.Pro149Ser (NM_003987.5, NM_003988.5, NM_003989.5 and 1 more transcripts); short protein forms P149S, P180S.
Identifiers: ClinVar variation 1475383 (VCV001475383.8), dbSNP rs1401507282, ClinGen allele CA378258315.